The following is an entry in ClinVar:

ClinVar aggregate classification (germline): Uncertain significance. Review status: criteria provided, multiple submitters, no conflicts (2 of 4 stars). 3 submissions from 3 submitters: Uncertain significance (3). Last evaluated 2024-05-09.

Conditions:
Mucopolysaccharidosis type 6 (MPS6). Also called: N-ACETYLGALACTOSAMINE-4-SULFATASE DEFICIENCY; ARSB DEFICIENCY; ARYLSULFATASE B DEFICIENCY; MPS 6; Maroteaux Lamy syndrome; MPS VI. Identifiers: Orphanet 583, MedGen C0026709, MONDO:0009661, OMIM 253200.

Allele frequency attached by ClinVar (database versions not stated): gnomAD exomes 0.00001; gnomAD 0.00008 and 0.00009; TOPMed 0.00008; ESP Exome Variant Server 0.00009; ExAC 0.00001.
gnomAD v4.1: 41 of 1,543,764 alleles (0.0027%); highest among the groups gnomAD compares: East Asian, 0.035%; no homozygotes.

Submissions (3):

Mayo Clinic Laboratories, Mayo Clinic
Classification: Uncertain significance. Last evaluated: 2024-05-09. Review status: criteria provided, single submitter. Criteria: ACMG Guidelines, 2015. Collection method: clinical testing. Allele origin: germline. Observed: 1 variant allele.
Comment: PP3, PM2

Fulgent Genetics
Classification: Uncertain significance for Mucopolysaccharidosis type 6. Last evaluated: 2022-05-16. Review status: criteria provided, single submitter. Criteria: ACMG Guidelines, 2015. Collection method: clinical testing. Allele origin: unknown.

Labcorp Genetics (formerly Invitae), Labcorp
Classification: Uncertain significance for Mucopolysaccharidosis type 6. Last evaluated: 2022-04-24. Review status: criteria provided, single submitter. Criteria: Invitae Variant Classification Sherloc (09022015). Collection method: clinical testing. Allele origin: germline.
Comment: This sequence change replaces glycine, which is neutral and non-polar, with serine, which is neutral and polar, at codon 61 of the ARSB protein (p.Gly61Ser). The frequency data for this variant in the population databases is considered unreliable, as metrics indicate poor data quality at this position in the gnomAD database. This variant has not been reported in the literature in individuals affected with ARSB-related conditions. Advanced modeling of protein sequence and biophysical properties (such as structural, functional, and spatial information, amino acid conservation, physicochemical variation, residue mobility, and thermodynamic stability) performed at Invitae indicates that this missense variant is expected to disrupt ARSB protein function. In summary, the available evidence is currently insufficient to determine the role of this variant in disease. Therefore, it has been classified as a Variant of Uncertain Significance.

NM_000046.5(ARSB):c.181G>A (p.Gly61Ser)

Genes: ARSB (arylsulfatase B; minus strand), LOC129994126 (ATAC-STARR-seq lymphoblastoid silent region 16127; plus strand). Cytogenetic location: 5q14.1.
Variant type: single nucleotide variant.
Coding change: c.181G>A on transcript NM_000046.5 (MANE Select); coding-DNA position 181, G replaced by A.
Protein change: p.Gly61Ser; replaces glycine 61 with serine.
Molecular consequence: missense variant.
Genome position (GRCh38, 1-based): chr5:78,985,068, C>T on the plus strand (G>A on the coding strand, the complement: ARSB is on the minus strand). VCF-style: chr5-78985068-C-T. GRCh37 (hg19) VCF-style: chr5-78280891-C-T.
Other names: p.Gly61Ser; c.181G>A, p.Gly61Ser (NM_198709.3); short protein forms G61S.
Identifiers: ClinVar variation 1378397 (VCV001378397.5), dbSNP rs375647920, ClinGen allele CA3318346.
Genomic context (GRCh38, chr5:78,985,068, plus strand): 5'-GCACCCCGCCGGCCGCCAGCGCGTCCAGGTGCGGCGTGCGGATGCGGGAGCCGTGGAAGC[C>T]GACGTCGTTCCAGCCTAGGTCGTCTGCCAGCAAGAAGACCAGGTGGGGCGGCCGGCTGGC-3'
Protein context (NP_000037.2, residues 51-71): LADDLGWNDV[Gly61Ser]FHGSRIRTPH